The following is an entry in ClinVar:

ClinVar aggregate classification (germline): Conflicting classifications of pathogenicity. Review status: criteria provided, conflicting classifications (1 of 4 stars). 6 submissions from 6 submitters: Pathogenic (1); Likely pathogenic (4); Uncertain significance (1). Last evaluated 2026-01-21.

Conditions:
Primary hyperoxaluria type 3. Also called: PH III. Identifiers: Orphanet 416, Orphanet 93600, MedGen C3150878, MONDO:0013327, OMIM 613616. Disease mechanism: loss of function.

Allele frequency attached by ClinVar (database versions not stated): ExAC 0.00001; TOPMed 0.00005; gnomAD 0.00006.
gnomAD v4.1: 34 of 1,614,024 alleles (0.0021%); highest among the groups gnomAD compares: Admixed American, 0.022%; no homozygotes.

Submissions (6):

Labcorp Genetics (formerly Invitae), Labcorp
Classification: Likely pathogenic. Last evaluated: 2026-01-21. Review status: criteria provided, single submitter. Criteria: Invitae Variant Classification Sherloc (09022015). Collection method: clinical testing. Allele origin: germline.
Comment: This sequence change replaces arginine, which is basic and polar, with histidine, which is basic and polar, at codon 303 of the HOGA1 protein (p.Arg303His). This variant is present in population databases (rs761150081, gnomAD 0.02%). This missense change has been observed in individual(s) with HOGA1-related conditions (PMID: 37318624). ClinVar contains an entry for this variant (Variation ID: 2199695). Invitae Evidence Modeling of protein sequence and biophysical properties (such as structural, functional, and spatial information, amino acid conservation, physicochemical variation, residue mobility, and thermodynamic stability) indicates that this missense variant is expected to disrupt HOGA1 protein function with a positive predictive value of 95%. This variant disrupts the p.Arg303 amino acid residue in HOGA1. Other variant(s) that disrupt this residue have been determined to be pathogenic (PMID: 21896830, 22391140, 22771891). This suggests that this residue is clinically significant, and that variants that disrupt this residue are likely to be disease-causing. In summary, the currently available evidence indicates that the variant is pathogenic, but additional data are needed to prove that conclusively. Therefore, this variant has been classified as Likely Pathogenic.

Rare Kidney Stone Consortium and the Mayo Clinic Hyperoxaluria Center, Mayo Clinic
Classification: Pathogenic for Primary hyperoxaluria type 3. Last evaluated: 2025-10-03. Review status: criteria provided, single submitter. Criteria: ACMG Guidelines, 2015. Collection method: research. Allele origin: germline. Affected: yes. Observed: 1 variant allele.
Comment: ACMG:PM1, PM2, PM6, PP3, PP4

Natera, Inc.
Classification: Likely pathogenic for Primary hyperoxaluria type III. Last evaluated: 2025-05-08. Review status: criteria provided, single submitter. Criteria: Natera Variant Classification Schema (03/2026). Collection method: clinical testing. Allele origin: germline.
Comment: The c.908G>A variant in HOGA1 is a missense variant predicted to cause substitution of arginine to histidine at amino acid 303. This variant is rare in the general population with a frequency below the threshold expected for the associated phenotype(s). This variant has been observed in one or more individuals affected with the associated recessive disease, as either homozygous or compound heterozygous with a second variant (PMID: 33865885, 39131880). A different variant at the same position has been determined to be Pathogenic or Likely Pathogenic. Computational prediction algorithms indicate this variant is likely to affect gene or protein function. Given the available evidence, this variant is classified as Likely Pathogenic.

Clinical Biochemistry Laboratory, Health Services Laboratory
Classification: Likely pathogenic for Primary hyperoxaluria type 3. Last evaluated: 2023-10-27. Review status: criteria provided, single submitter. Criteria: ACMG Guidelines, 2015. Collection method: curation. Allele origin: germline. Affected: yes.
Comment: ACMG:PM1 PM3 PM5 PP3 BP1

Revvity Omics, Revvity
Classification: Uncertain significance. Last evaluated: 2021-07-23. Review status: criteria provided, single submitter. Criteria: ACMG Guidelines, 2015. Collection method: clinical testing. Allele origin: germline.

Juno Genomics, Hangzhou Juno Genomics, Inc
Classification: Likely pathogenic for Primary hyperoxaluria type 3. Review status: criteria provided, single submitter. Criteria: ACMG Guidelines, 2015. Collection method: clinical testing. Allele origin: germline. Affected: yes.
Comment: Absent from controls (or at extremely low frequency if recessive) in Genome Aggregation Database, Exome Sequencing Project, 1000 Genomes Project, or Exome Aggregation Consortium.;Novel missense change at an amino acid residue where a different missense change determined to be pathogenic has been seen before.;Multiple lines of computational evidence support a deleterious effect on the gene or gene product (conservation, evolutionary, splicing impact, etc).;For recessive disorders, detected in trans with a pathogenic variant.

Literature cited by the submitters: PubMed 37318624 (cited by Labcorp Genetics (formerly Invitae), Labcorp and Rare Kidney Stone Consortium and the Mayo Clinic Hyperoxaluria Center, Mayo Clinic); PubMed 21896830 (cited by Labcorp Genetics (formerly Invitae), Labcorp); PubMed 22391140 (cited by Labcorp Genetics (formerly Invitae), Labcorp); PubMed 22771891 (cited by Labcorp Genetics (formerly Invitae), Labcorp); PubMed 40794449 (cited by Rare Kidney Stone Consortium and the Mayo Clinic Hyperoxaluria Center, Mayo Clinic); PubMed 33865885 (cited by Natera, Inc.); PubMed 39131880 (cited by Natera, Inc.); PubMed 3386585 (cited by Clinical Biochemistry Laboratory, Health Services Laboratory).

NM_138413.4(HOGA1):c.908G>A (p.Arg303His)

Gene: HOGA1 (4-hydroxy-2-oxoglutarate aldolase 1; plus strand). Cytogenetic location: 10q24.2.
Variant type: single nucleotide variant.
Coding change: c.908G>A on transcript NM_138413.4 (MANE Select); coding-DNA position 908, G replaced by A.
Protein change: p.Arg303His; replaces arginine 303 with histidine.
Molecular consequence: missense variant.
Genome position (GRCh38, 1-based): chr10:97,611,583, G>A. VCF-style: chr10-97611583-G-A. GRCh37 (hg19) VCF-style: chr10-99371340-G-A.
Other names: c.908G>A (NM_138413.3); c.419G>A, p.Arg140His (NM_001134670.2); short protein forms R140H, R303H.
Identifiers: ClinVar variation 2199695 (VCV002199695.11), dbSNP rs761150081, ClinGen allele CA5634306.